The following is an entry in ClinVar:

ClinVar aggregate classification (germline): Uncertain significance (1 of 4 stars; one submission).

Submission:

Dasa
Classification: Uncertain significance. Last evaluated: 2025-01-09. Review status: criteria provided, single submitter. Criteria: DASA Assertion Criteria. Collection method: clinical testing. Allele origin: germline.
Comment: NM_001377.3(DYNC2H1):c.4280C>T (p.Pro1427Leu) is a missense variant that results in the substitution of proline with leucine. This variant is absent from population databases. Computational prediction algorithms are consistent with a deleterious effect. The currently available literature and clinical evidence are not sufficient to establish a definitive association between this variant and the reported condition. Therefore, this variant is classified as a variant of uncertain significance.

NM_001377.3(DYNC2H1):c.4280C>T (p.Pro1427Leu)

Gene: DYNC2H1 (dynein cytoplasmic 2 heavy chain 1; plus strand). Cytogenetic location: 11q22.3.
Variant type: single nucleotide variant.
Coding change: c.4280C>T on transcript NM_001377.3 (MANE Select); coding-DNA position 4280, C replaced by T.
Protein change: p.Pro1427Leu; replaces proline 1427 with leucine.
Molecular consequence: missense variant.
Genome position (GRCh38, 1-based): chr11:103,158,929, C>T. VCF-style: chr11-103158929-C-T. GRCh37 (hg19) VCF-style: chr11-103029658-C-T.
Other names: c.4280C>T, p.Pro1427Leu (NM_001080463.2); short protein forms P1427L.
Identifiers: ClinVar variation 4882613 (VCV004882613.2).